The following is an entry in ClinVar:

ClinVar aggregate classification (germline): Conflicting classifications of pathogenicity. Review status: criteria provided, conflicting classifications (1 of 4 stars). 8 submissions from 8 submitters: Uncertain significance (7); Likely benign (1). Last evaluated 2025-12-01.

Conditions:
Hypertrophic cardiomyopathy 14. Identifiers: MedGen C2750467, MONDO:0013197, OMIM 613251.
Sick sinus syndrome 3, susceptibility to (SSS3). Identifiers: Orphanet 166282, MedGen C3279791, MONDO:0013568, OMIM 614090.
Dilated cardiomyopathy 1EE (CMD1EE). Identifiers: Orphanet 154, MedGen C2750466, MONDO:0013198, OMIM 613252.
Atrial septal defect 3 (ASD3). Identifiers: Orphanet 1478, MedGen C3279790, MONDO:0013567, OMIM 614089.
Cardiovascular phenotype. Identifiers: MedGen CN230736.
Long QT syndrome (LQTS). Identifiers: MedGen C0023976, MeSH D008133, MONDO:0002442. Disease mechanism: loss of function. Inheritance: Various modes of inheritance.
Hypertrophic cardiomyopathy 1 (CMH1). Also called: MYH7-Related Familial Hypertrophic Cardiomyopathy; Familial hypertrophic cardiomyopathy 1. Identifiers: MedGen C3495498, MONDO:0008647, OMIM 192600.

Allele frequency attached by ClinVar (database versions not stated): TOPMed 0.00006; gnomAD 0.00010 and 0.00011; ExAC 0.00012; gnomAD exomes 0.00012; ESP Exome Variant Server 0.00015; 1000 Genomes Project 30x 0.00016; 1000 Genomes Project 0.00020.

Submissions (8):

Labcorp Genetics (formerly Invitae), Labcorp
Classification: Uncertain significance for Hypertrophic cardiomyopathy 14. Last evaluated: 2025-12-01. Review status: criteria provided, single submitter. Criteria: Invitae Variant Classification Sherloc (09022015). Collection method: clinical testing. Allele origin: germline.
Comment: This sequence change replaces arginine, which is basic and polar, with tryptophan, which is neutral and slightly polar, at codon 1422 of the MYH6 protein (p.Arg1422Trp). This variant is present in population databases (rs200465713, gnomAD 0.03%), and has an allele count higher than expected for a pathogenic variant. This variant has not been reported in the literature in individuals affected with MYH6-related conditions. ClinVar contains an entry for this variant (Variation ID: 537942). Invitae Evidence Modeling of protein sequence and biophysical properties (such as structural, functional, and spatial information, amino acid conservation, physicochemical variation, residue mobility, and thermodynamic stability) indicates that this missense variant is expected to disrupt MYH6 protein function with a positive predictive value of 80%. In summary, the available evidence is currently insufficient to determine the role of this variant in disease. Therefore, it has been classified as a Variant of Uncertain Significance.

Ambry Genetics
Classification: Uncertain significance for Cardiovascular phenotype. Last evaluated: 2024-12-30. Review status: criteria provided, single submitter. Criteria: Ambry Variant Classification Scheme 2023. Collection method: clinical testing. Allele origin: germline.
Comment: The p.R1422W variant (also known as c.4264C>T), located in coding exon 28 of the MYH6 gene, results from a C to T substitution at nucleotide position 4264. The arginine at codon 1422 is replaced by tryptophan, an amino acid with dissimilar properties. This variant has been detected in a from cardiomyopathy cohort with limited detail (van Lint FHM et al. Neth Heart J, 2019 Jun;27:304-309). This variant has also been reported in a pediatric cardiomyopathy cohort (Ware SM et al. Am J Hum Genet, 2022 Feb;109:282-298). This amino acid position is highly conserved in available vertebrate species. In addition, this alteration is predicted to be deleterious by in silico analysis. Based on the available evidence, the clinical significance of this variant remains unclear.

Blueprint Genetics
Classification: Likely benign. Last evaluated: 2024-11-07. Review status: criteria provided, single submitter. Criteria: ACMG Guidelines, 2015. Collection method: clinical testing. Allele origin: germline.

Dept of Medical Biology, Uskudar University
Classification: Uncertain significance for Long QT syndrome. Last evaluated: 2024-01-08. Review status: criteria provided, single submitter. Criteria: Dept of Medical Biology Variant Classification. Collection method: research. Allele origin: paternal. Affected: yes. Observed: 1 variant allele.
Comment: Criteria: PP3

GeneDx
Classification: Uncertain significance. Last evaluated: 2021-10-29. Review status: criteria provided, single submitter. Criteria: GeneDx Variant Classification Process June 2021. Collection method: clinical testing. Allele origin: germline. Affected: yes.
Comment: Reported in association with cardiomyopathy (van Lint et al., 2019); however, specific clinical information was not provided; In silico analysis supports that this missense variant has a deleterious effect on protein structure/function; Reported in ClinVar as a variant of uncertain significance (ClinVar Variant ID# 537942; Landrum et al., 2016); This variant is associated with the following publications: (PMID: 26582918, 30847666)

ARUP Laboratories, Molecular Genetics and Genomics, ARUP Laboratories
Classification: Uncertain significance. Last evaluated: 2020-06-23. Review status: criteria provided, single submitter. Criteria: ARUP Molecular Germline Variant Investigation Process. Collection method: clinical testing. Allele origin: germline.
Comment: The MYH6 c.4264C>T; p.Arg1422Trp variant (rs200465713), to our knowledge, is not reported in the medical literature but is reported in ClinVar (Variation ID: 537942). This variant is found in the South Asian population with an allele frequency of 0.033% (10/30616 alleles) in the Genome Aggregation Database. The arginine at codon 1422 is highly conserved, and computational analyses (SIFT, PolyPhen-2) predict that this variant is deleterious. Due to limited information, the clinical significance of the p.Arg1422Trp variant is uncertain at this time.

Molecular Diagnostic Laboratory for Inherited Cardiovascular Disease, Montreal Heart Institute
Classification: Uncertain significance for Hypertrophic cardiomyopathy 1. Last evaluated: 2019-02-01. Review status: criteria provided, single submitter. Criteria: ACMG Guidelines, 2015. Collection method: clinical testing. Allele origin: germline. Affected: yes.

Center for Genomics, Ann and Robert H. Lurie Children's Hospital of Chicago
Classification: Uncertain significance for Sick sinus syndrome 3, susceptibility to; Atrial septal defect 3; Dilated cardiomyopathy 1EE; Hypertrophic cardiomyopathy 14. Review status: criteria provided, single submitter. Criteria: ACMG Guidelines, 2015. Collection method: clinical testing. Allele origin: germline.
Comment: MYH6 NM_002471.3 exon 30 p.Arg1422Trp (c.4264C>T): This variant has not been reported in the literature and is present in 0.03% (10/30616) of South Asian alleles in the Genome Aggregation Database. This variant is present in ClinVar (Variation ID:537942). Evolutionary conservation and computational predictive tools suggest that this variant may impact the protein. In summary, data on this variant is insufficient for disease classification. Therefore, the clinical significance of this variant is uncertain.

Literature cited by the submitters: PubMed 30847666 (cited by Ambry Genetics); PubMed 35026164 (cited by Ambry Genetics).

NM_002471.4(MYH6):c.4264C>T (p.Arg1422Trp)

Gene: MYH6 (myosin heavy chain 6; minus strand). Cytogenetic location: 14q11.2.
Variant type: single nucleotide variant.
Coding change: c.4264C>T on transcript NM_002471.4 (MANE Select); coding-DNA position 4264, C replaced by T.
Protein change: p.Arg1422Trp; replaces arginine 1422 with tryptophan.
Molecular consequence: missense variant.
Genome position (GRCh38, 1-based): chr14:23,388,250, G>A on the plus strand (C>T on the coding strand, the complement: MYH6 is on the minus strand). VCF-style: chr14-23388250-G-A. GRCh37 (hg19) VCF-style: chr14-23857459-G-A.
Other names: short protein forms R1422W.
Identifiers: ClinVar variation 537942 (VCV000537942.32), dbSNP rs200465713, ClinGen allele CA7114837.